The following is an entry in ClinVar:

NM_006005.3(WFS1):c.805G>A (p.Glu269Lys)

Gene: WFS1 (wolframin ER transmembrane glycoprotein; plus strand). Cytogenetic location: 4p16.1.
Variant type: single nucleotide variant.
Coding change: c.805G>A on transcript NM_006005.3 (MANE Select); coding-DNA position 805, G replaced by A.
Protein change: p.Glu269Lys; replaces glutamic acid 269 with lysine.
Molecular consequence: missense variant.
Genome position (GRCh38, 1-based): chr4:6,295,133, G>A. VCF-style: chr4-6295133-G-A. GRCh37 (hg19) VCF-style: chr4-6296860-G-A.
Other names: c.805G>A, p.Glu269Lys (NM_001145853.1); short protein forms E269K.
Identifiers: ClinVar variation 2579795 (VCV002579795.1), dbSNP rs148771011, ClinGen allele CA2839064.
Genomic context (GRCh38, chr4:6,295,133, plus strand): 5'-GAGATCACTAAGAAGTACGCCAAGGGCGTCATCCCCAGCAGCCTGTTCCTGCAGGACGAC[G>A]AAGATGATGACGAGCTGGCGGGGAAGAGCCCTGAGGACCTGCCACTGCGTCTGAAGGTGA-3'
Protein context (NP_005996.2, residues 259-279): IPSSLFLQDD[Glu269Lys]DDDELAGKSP

ClinVar aggregate classification (germline): Uncertain significance (1 of 4 stars; one submission).

Allele frequency attached by ClinVar (database versions not stated): gnomAD exomes below 0.00001; ExAC 0.00002; TOPMed 0.00002; ESP Exome Variant Server 0.00015.
gnomAD v4.1: 6 of 1,613,088 alleles (0.00037%); highest among the groups gnomAD compares: Non-Finnish European, 0.00042%; no homozygotes.

Submission:

GeneDx
Classification: Uncertain significance. Last evaluated: 2023-03-17. Review status: criteria provided, single submitter. Criteria: GeneDx Variant Classification Process June 2021. Collection method: clinical testing. Allele origin: germline. Affected: yes.
Comment: In silico analysis supports that this missense variant does not alter protein structure/function; Has not been previously published as pathogenic or benign to our knowledge